The following is an entry in ClinVar:

NM_004826.4(ECEL1):c.1029G>C (p.Thr343=)

Gene: ECEL1 (endothelin converting enzyme like 1; minus strand). Cytogenetic location: 2q37.1.
Variant type: single nucleotide variant.
Coding change: c.1029G>C on transcript NM_004826.4 (MANE Select); coding-DNA position 1029, G replaced by C.
Protein change: p.Thr343=; no amino-acid change (threonine 343 retained).
Molecular consequence: synonymous variant.
Genome position (GRCh38, 1-based): chr2:232,484,831, C>G on the plus strand (G>C on the coding strand, the complement: ECEL1 is on the minus strand). VCF-style: chr2-232484831-C-G. GRCh37 (hg19) VCF-style: chr2-233349541-C-G.
Other names: c.1029G>C, p.Thr343= (NM_001290787.2).
Identifiers: ClinVar variation 3055137 (VCV003055137.2), dbSNP rs144709114, ClinGen allele CA2167432.

ClinVar aggregate classification (germline): Likely benign (0 of 4 stars; one submission).

Conditions:
ECEL1-related disorder. Also called: ECEL1-related condition.

gnomAD v4.1: 7 of 1,614,030 alleles (0.00043%); highest among the groups gnomAD compares: Admixed American, 0.0017%; no homozygotes.

Submission:

PreventionGenetics, part of Exact Sciences
Classification: Likely benign for ECEL1-related condition. Last evaluated: 2022-11-07. Review status: no assertion criteria provided. Collection method: clinical testing. Allele origin: germline.
Comment: This variant is classified as likely benign based on ACMG/AMP sequence variant interpretation guidelines (Richards et al. 2015 PMID: 25741868, with internal and published modifications).